The following is an entry in ClinVar:

ClinVar aggregate classification (germline): Uncertain significance (1 of 4 stars; one submission).

Conditions:
GNE myopathy (NM). Also called: NONAKA DISTAL MYOPATHY; IBM 2; Inclusion body myopathy autosomal recessive; Inclusion body myopathy quadriceps sparing; MYOPATHY, DISTAL, WITH OR WITHOUT RIMMED VACUOLES; INCLUSION BODY MYOPATHY, HEREDITARY, AUTOSOMAL RECESSIVE. Identifiers: Orphanet 602, MedGen C1853926, MONDO:0011603, OMIM 605820.

Submission:

3billion
Classification: Uncertain significance for GNE myopathy. Last evaluated: 2024-07-30. Review status: criteria provided, single submitter. Criteria: ACMG Guidelines, 2015. Collection method: clinical testing. Allele origin: germline. Affected: yes.
Comment: The variant is not observed in the gnomAD v4.0.0 dataset. Predicted Consequence/Location: Missense variant In silico tool predictions suggest damaging effect of the variant on gene or gene product [REVEL: 0.92 (>=0.6, sensitivity 0.68 and specificity 0.92); 3Cnet: 0.99 (>=0.6, sensitivity 0.72 and precision 0.9)]. The same nucleotide change resulting in the same amino acid change has been previously reported to be associated with GNE related disorder (PMID: 15833430). Therefore, this variant is classified as VUS according to the recommendation of ACMG/AMP guideline.

Literature cited by the submitters: PubMed 15833430.

NM_005476.7(GNE):c.1136T>A (p.Leu379His)

Gene: GNE (glucosamine (UDP-N-acetyl)-2-epimerase/N-acetylmannosamine kinase; minus strand). Cytogenetic location: 9p13.3.
Variant type: single nucleotide variant.
Coding change: c.1136T>A on transcript NM_005476.7 (MANE Select); coding-DNA position 1136, T replaced by A.
Protein change: p.Leu379His; replaces leucine 379 with histidine.
Molecular consequence: missense variant.
Genome position (GRCh38, 1-based): chr9:36,227,393, A>T on the plus strand (T>A on the coding strand, the complement: GNE is on the minus strand). VCF-style: chr9-36227393-A-T. GRCh37 (hg19) VCF-style: chr9-36227390-A-T.
Other names: c.1229T>A, p.Leu410His (NM_001128227.3); c.1136T>A, p.Leu379His (NM_001190383.3); c.806T>A, p.Leu269His (NM_001190384.3); c.959T>A, p.Leu320His (NM_001190388.2, NM_001374798.1); c.983T>A, p.Leu328His (NM_001374797.1); short protein forms L269H, L320H, L328H, L379H, L410H.
Identifiers: ClinVar variation 4291764 (VCV004291764.1).